The following is an entry in ClinVar:

ClinVar aggregate classification (germline): Uncertain significance (1 of 4 stars; one submission).

gnomAD v4.1: 9 of 1,613,666 alleles (0.00056%); highest among the groups gnomAD compares: Non-Finnish European, 0.00076%; no homozygotes.

Submission:

Labcorp Genetics (formerly Invitae), Labcorp
Classification: Uncertain significance. Last evaluated: 2025-10-08. Review status: criteria provided, single submitter. Criteria: Invitae Variant Classification Sherloc (09022015). Collection method: clinical testing. Allele origin: germline.
Comment: This sequence change replaces asparagine, which is neutral and polar, with serine, which is neutral and polar, at codon 489 of the MYH7B protein (p.Asn489Ser). This variant is present in population databases (rs75044008, gnomAD 0.0009%). This variant has not been reported in the literature in individuals affected with MYH7B-related conditions. Invitae Evidence Modeling of protein sequence and biophysical properties (such as structural, functional, and spatial information, amino acid conservation, physicochemical variation, residue mobility, and thermodynamic stability) indicates that this missense variant is expected to disrupt MYH7B protein function with a positive predictive value of 80%. In summary, the available evidence is currently insufficient to determine the role of this variant in disease. Therefore, it has been classified as a Variant of Uncertain Significance.

NM_020884.7(MYH7B):c.1340A>G (p.Asn447Ser)

Gene: MYH7B (myosin heavy chain 7B; plus strand). Cytogenetic location: 20q11.22.
Variant type: single nucleotide variant.
Coding change: c.1340A>G on transcript NM_020884.7 (MANE Select); coding-DNA position 1340, A replaced by G.
Protein change: p.Asn447Ser; replaces asparagine 447 with serine.
Molecular consequence: missense variant.
Genome position (GRCh38, 1-based): chr20:34,987,838, A>G. VCF-style: chr20-34987838-A-G. GRCh37 (hg19) VCF-style: chr20-33575641-A-G.
Other names: short protein forms N447S.
Identifiers: ClinVar variation 4702253 (VCV004702253.1).